The following is an entry in ClinVar:

ClinVar aggregate classification (germline): Uncertain significance. Review status: criteria provided, multiple submitters, no conflicts (2 of 4 stars). 3 submissions from 3 submitters: Uncertain significance (3). Last evaluated 2025-12-23.

Conditions:
Hereditary cancer-predisposing syndrome. Also called: Neoplastic Syndromes, Hereditary; Hereditary Cancer Syndrome; Hereditary neoplastic syndrome; Tumor predisposition. Identifiers: Orphanet 140162, MedGen C0027672, MeSH D009386, MONDO:0015356.
Hereditary diffuse gastric adenocarcinoma (HDGC). Also called: DIFFUSE GASTRIC AND LOBULAR BREAST CANCER SYNDROME. Identifiers: Orphanet 26106, MedGen C1708349, MONDO:0007648, OMIM 137215.

Allele frequency attached by ClinVar (database versions not stated): gnomAD exomes 0.00001; ExAC 0.00002.
gnomAD v4.1: 5 of 1,614,164 alleles (0.00031%); highest among the groups gnomAD compares: South Asian, 0.0055%; no homozygotes.

Submissions (3):

Labcorp Genetics (formerly Invitae), Labcorp
Classification: Uncertain significance for Hereditary diffuse gastric adenocarcinoma. Last evaluated: 2025-12-23. Review status: criteria provided, single submitter. Criteria: Invitae Variant Classification Sherloc (09022015). Collection method: clinical testing. Allele origin: germline.
Comment: This sequence change replaces glycine, which is neutral and non-polar, with arginine, which is basic and polar, at codon 332 of the CDH1 protein (p.Gly332Arg). This variant is present in population databases (rs587781759, gnomAD 0.01%). This variant has not been reported in the literature in individuals affected with CDH1-related conditions. ClinVar contains an entry for this variant (Variation ID: 141456). An algorithm developed to predict the effect of missense changes on protein structure and function (PolyPhen-2) suggests that this variant is likely to be disruptive. In summary, the available evidence is currently insufficient to determine the role of this variant in disease. Therefore, it has been classified as a Variant of Uncertain Significance.

Ambry Genetics
Classification: Uncertain significance for Hereditary cancer-predisposing syndrome. Last evaluated: 2025-10-21. Review status: criteria provided, single submitter. Criteria: Ambry Variant Classification Scheme 2023. Collection method: clinical testing. Allele origin: germline.
Comment: The p.G332R variant (also known as c.994G>A), located in coding exon 7 of the CDH1 gene, results from a G to A substitution at nucleotide position 994. The glycine at codon 332 is replaced by arginine, an amino acid with dissimilar properties. This amino acid position is highly conserved in available vertebrate species. In addition, this alteration is predicted to be deleterious by in silico analysis. Based on the available evidence, the clinical significance of this variant remains unclear.

Color Diagnostics, LLC DBA Color Health
Classification: Uncertain significance for Hereditary cancer-predisposing syndrome. Last evaluated: 2024-03-06. Review status: criteria provided, single submitter. Criteria: ACMG Guidelines, 2015. Collection method: clinical testing. Allele origin: germline.
Comment: This missense variant replaces glycine with arginine at codon 332 of the CDH1 protein. Computational prediction tool is inconclusive regarding the impact of this variant on protein structure and function (internally defined REVEL score threshold 0.5 < inconclusive < 0.7, PMID: 27666373). Splice site prediction tools suggest that this variant may not impact RNA splicing. To our knowledge, functional studies have not been performed for this variant. This variant has not been reported in individuals affected with hereditary cancer in the literature. This variant has been identified in 3/251322 chromosomes in the general population by the Genome Aggregation Database (gnomAD). The available evidence is insufficient to determine the role of this variant in disease conclusively. Therefore, this variant is classified as a Variant of Uncertain Significance.

NM_004360.5(CDH1):c.994G>A (p.Gly332Arg)

Gene: CDH1 (cadherin 1; plus strand). Cytogenetic location: 16q22.1.
Variant type: single nucleotide variant.
Coding change: c.994G>A on transcript NM_004360.5 (MANE Select); coding-DNA position 994, G replaced by A.
Protein change: p.Gly332Arg; replaces glycine 332 with arginine.
Molecular consequence: missense variant. On other transcripts: 5 prime UTR variant (2).
Genome position (GRCh38, 1-based): chr16:68,811,845, G>A. VCF-style: chr16-68811845-G-A. GRCh37 (hg19) VCF-style: chr16-68845748-G-A.
Other names: c.994G>A (LRG_301t1); c.994G>A, p.Gly332Arg (NM_001317184.2); c.-622G>A (NM_001317185.2); c.-826G>A (NM_001317186.2); short protein forms G332R.
Identifiers: ClinVar variation 141456 (VCV000141456.15), dbSNP rs587781759, ClinGen allele CA165466.